The following is an entry in ClinVar:

ClinVar aggregate classification (germline): Likely benign. Review status: criteria provided, multiple submitters, no conflicts (2 of 4 stars). 3 submissions from 3 submitters: Likely benign (3). Last evaluated 2025-12-05.

Conditions:
Hereditary cancer-predisposing syndrome. Also called: Neoplastic Syndromes, Hereditary; Tumor predisposition; Hereditary neoplastic syndrome; Hereditary Cancer Syndrome. Identifiers: Orphanet 140162, MedGen C0027672, MeSH D009386, MONDO:0015356.
Retinoblastoma (RB1). Also called: RETINOBLASTOMA, SOMATIC. Identifiers: Orphanet 790, MedGen C0035335, MeSH D012175, MONDO:0008380, OMIM 180200, HP:0009919. Disease mechanism: loss of function. Inheritance: Both sporadic and heritable forms are tested..

Submissions (3):

Labcorp Genetics (formerly Invitae), Labcorp
Classification: Likely benign for Retinoblastoma. Last evaluated: 2025-12-05. Review status: criteria provided, single submitter. Criteria: Invitae Variant Classification Sherloc (09022015). Collection method: clinical testing. Allele origin: germline.

Ambry Genetics
Classification: Likely benign for Hereditary cancer-predisposing syndrome. Last evaluated: 2022-11-24. Review status: criteria provided, single submitter. Criteria: Ambry Variant Classification Scheme 2023. Collection method: clinical testing. Allele origin: germline.

GeneDx
Classification: Likely benign. Last evaluated: 2018-03-21. Review status: criteria provided, single submitter. Criteria: GeneDx Variant Classification (06012015). Collection method: clinical testing. Allele origin: germline. Affected: yes.
Comment: This variant is considered likely benign or benign based on one or more of the following criteria: it is a conservative change, it occurs at a poorly conserved position in the protein, it is predicted to be benign by multiple in silico algorithms, and/or has population frequency not consistent with disease.

NM_000321.3(RB1):c.1218C>T (p.Asn406=)

Gene: RB1 (RB transcriptional corepressor 1; plus strand). Cytogenetic location: 13q14.2.
Variant type: single nucleotide variant.
Coding change: c.1218C>T on transcript NM_000321.3 (MANE Select); coding-DNA position 1218, C replaced by T.
Protein change: p.Asn406=; no amino-acid change (asparagine 406 retained).
Molecular consequence: synonymous variant.
Genome position (GRCh38, 1-based): chr13:48,376,920, C>T. VCF-style: chr13-48376920-C-T. GRCh37 (hg19) VCF-style: chr13-48951056-C-T.
Identifiers: ClinVar variation 681140 (VCV000681140.13), dbSNP rs1593453983, ClinGen allele CA483559065.